The following is an entry in ClinVar:

NM_006437.4(PARP4):c.2900G>A (p.Arg967Gln)

Gene: PARP4 (poly(ADP-ribose) polymerase family member 4; minus strand). Cytogenetic location: 13q12.12.
Variant type: single nucleotide variant.
Coding change: c.2900G>A on transcript NM_006437.4 (MANE Select); coding-DNA position 2900, G replaced by A.
Protein change: p.Arg967Gln; replaces arginine 967 with glutamine.
Molecular consequence: missense variant.
Genome position (GRCh38, 1-based): chr13:24,452,520, C>T on the plus strand (G>A on the coding strand, the complement: PARP4 is on the minus strand). VCF-style: chr13-24452520-C-T. GRCh37 (hg19) VCF-style: chr13-25026658-C-T.
Other names: c.2900G>A (NM_006437.3); short protein forms R967Q.
Identifiers: ClinVar variation 3388361 (VCV003388361.15).

ClinVar aggregate classification (germline): Conflicting classifications of pathogenicity. Review status: criteria provided, conflicting classifications (1 of 4 stars). 2 submissions from 2 submitters: Uncertain significance (1); Likely benign (1). Last evaluated 2025-08-21.

gnomAD v4.1: 70 of 1,613,936 alleles (0.0043%); highest among the groups gnomAD compares: Middle Eastern, 0.13%; no homozygotes.

Submissions (2):

Ambry Genetics
Classification: Likely benign. Last evaluated: 2025-08-21. Review status: criteria provided, single submitter. Criteria: Ambry Variant Classification Scheme 2023. Collection method: clinical testing. Allele origin: germline.

CeGaT Center for Human Genetics Tuebingen
Classification: Uncertain significance. Last evaluated: 2024-10-01. Review status: criteria provided, single submitter. Criteria: CeGaT Center For Human Genetics Tuebingen Variant Classification Criteria Version 2. Collection method: clinical testing. Allele origin: germline. Affected: yes. Observed: 1 variant allele.
Comment: PARP4: PM2, BP4